The following is an entry in ClinVar:

ClinVar aggregate classification (germline): Uncertain significance (1 of 4 stars; one submission).

gnomAD v4.1: 7 of 1,613,134 alleles (0.00043%); highest among the groups gnomAD compares: Non-Finnish European, 0.00059%; no homozygotes.

Submission:

GeneDx
Classification: Uncertain significance. Last evaluated: 2026-02-10. Review status: criteria provided, single submitter. Criteria: GeneDx Variant Classification Process June 2021. Collection method: clinical testing. Allele origin: germline.
Comment: Not observed at significant frequency in large population cohorts (gnomAD); In silico analysis suggests that this missense variant does not alter protein structure/function; Has not been previously published as pathogenic or benign to our knowledge

NM_000815.5(GABRD):c.206C>T (p.Ala69Val)

Gene: GABRD (gamma-aminobutyric acid type A receptor subunit delta; plus strand). Cytogenetic location: 1p36.33.
Variant type: single nucleotide variant.
Coding change: c.206C>T on transcript NM_000815.5 (MANE Select); coding-DNA position 206, C replaced by T.
Protein change: p.Ala69Val; replaces alanine 69 with valine.
Molecular consequence: missense variant.
Genome position (GRCh38, 1-based): chr1:2,025,358, C>T. VCF-style: chr1-2025358-C-T. GRCh37 (hg19) VCF-style: chr1-1956797-C-T.
Other names: short protein forms A69V.
Identifiers: ClinVar variation 4975992 (VCV004975992.1).